The following is an entry in ClinVar:

ClinVar aggregate classification (germline): Likely pathogenic. Review status: criteria provided, multiple submitters, no conflicts (2 of 4 stars). 2 submissions from 2 submitters: Likely pathogenic (2). Last evaluated 2026-01-21.

Conditions:
Familial isolated deficiency of vitamin E (AVED). Also called: Ataxia with isolated vitamin E deficiency; ATAXIA, FRIEDREICH-LIKE, WITH SELECTIVE VITAMIN E DEFICIENCY. Identifiers: Orphanet 96, MedGen C1848533, MONDO:0010188, OMIM 277460.

Submissions (2):

Natera, Inc.
Classification: Likely pathogenic for Ataxia with isolated vitamin E deficiency. Last evaluated: 2026-01-21. Review status: criteria provided, single submitter. Criteria: Natera Variant Classification Schema (03/2026). Collection method: clinical testing. Allele origin: germline.
Comment: The c.80del variant in TTPA is a frameshift variant predicted to shift the reading frame beginning at codon 27 and leads to a stop codon 44 codons downstream. This variant is expected to result in nonsense mediated decay, truncation, or a dysfunctional protein product. This variant is rare in the general population with a frequency below the threshold expected for the associated phenotype(s). Given the available evidence, this variant is classified as Likely Pathogenic.

Baylor Genetics
Classification: Likely pathogenic for Familial isolated deficiency of vitamin E. Last evaluated: 2023-08-01. Review status: criteria provided, single submitter. Criteria: ACMG Guidelines, 2015. Collection method: clinical testing. Allele origin: unknown.

NM_000370.3(TTPA):c.80del (p.Gly27fs)

Gene: TTPA (alpha tocopherol transfer protein; minus strand). Cytogenetic location: 8q12.3.
Variant type: Deletion.
Coding change: c.80del on transcript NM_000370.3 (MANE Select); coding-DNA position 80, one base deleted (G; older notation c.80delG).
Protein change: p.Gly27fs; shifts the reading frame from glycine 27.
Molecular consequence: frameshift variant. On other transcripts: non-coding transcript variant (3).
Genome position (GRCh38, 1-based): chr8:63,085,942, C deleted on the plus strand (G on the coding strand, the reverse complement: TTPA is on the minus strand); the first of 3 consecutive C bases (chr8:63,085,942-63,085,944); deleting any one gives the same sequence. VCF-style (leftmost placement, unchanged base first): chr8-63085941-GC-G. GRCh37 (hg19) VCF-style: chr8-63998500-GC-G.
Other names: c.80del, p.Gly27fs (NM_001413414.1, NM_001413415.1, NM_001413416.1 and 2 more transcripts); short protein forms G27fs.
Identifiers: ClinVar variation 2679387 (VCV002679387.2), dbSNP rs2487201178, ClinGen allele CA2695199890.